The following is an entry in ClinVar:

ClinVar aggregate classification (germline): Uncertain significance (1 of 4 stars; one submission).

Conditions:
Hereditary cancer-predisposing syndrome. Also called: Hereditary neoplastic syndrome; Neoplastic Syndromes, Hereditary; Tumor predisposition; Hereditary Cancer Syndrome. Identifiers: Orphanet 140162, MedGen C0027672, MeSH D009386, MONDO:0015356.

Submission:

Ambry Genetics
Classification: Uncertain significance for Hereditary cancer-predisposing syndrome. Last evaluated: 2025-01-04. Review status: criteria provided, single submitter. Criteria: Ambry Variant Classification Scheme 2023. Collection method: clinical testing. Allele origin: germline.
Comment: The p.Q450R variant (also known as c.1349A>G), located in coding exon 6 of the ALK gene, results from an A to G substitution at nucleotide position 1349. The glutamine at codon 450 is replaced by arginine, an amino acid with highly similar properties. This amino acid position is conserved. In addition, this alteration is predicted to be tolerated by in silico analysis. Based on the available evidence, the clinical significance of this variant remains unclear.

NM_004304.5(ALK):c.1349A>G (p.Gln450Arg)

Gene: ALK (ALK receptor tyrosine kinase; minus strand). Cytogenetic location: 2p23.2.
Variant type: single nucleotide variant.
Coding change: c.1349A>G on transcript NM_004304.5 (MANE Select); coding-DNA position 1349, A replaced by G.
Protein change: p.Gln450Arg; replaces glutamine 450 with arginine.
Molecular consequence: missense variant.
Genome position (GRCh38, 1-based): chr2:29,328,415, T>C on the plus strand (A>G on the coding strand, the complement: ALK is on the minus strand). VCF-style: chr2-29328415-T-C. GRCh37 (hg19) VCF-style: chr2-29551281-T-C.
Other names: short protein forms Q450R.
Identifiers: ClinVar variation 3855164 (VCV003855164.1).